The following is an entry in ClinVar:

NM_176787.5(PIGN):c.1768A>T (p.Met590Leu)

Genes: PIGN (phosphatidylinositol glycan anchor biosynthesis class N; minus strand), LOC132090497 (Neanderthal introgressed variant-containing enhancer experimental_48690; plus strand). Cytogenetic location: 18q21.33.
Variant type: single nucleotide variant.
Coding change: c.1768A>T on transcript NM_176787.5 (MANE Select); coding-DNA position 1768, A replaced by T.
Protein change: p.Met590Leu; replaces methionine 590 with leucine.
Molecular consequence: missense variant.
Genome position (GRCh38, 1-based): chr18:62,105,634, T>A on the plus strand (A>T on the coding strand, the complement: PIGN is on the minus strand). VCF-style: chr18-62105634-T-A. GRCh37 (hg19) VCF-style: chr18-59772867-T-A.
Other names: c.1768A>T, p.Met590Leu (NM_012327.6); short protein forms M590L.
Identifiers: ClinVar variation 1405285 (VCV001405285.6), dbSNP rs749969084, ClinGen allele CA8982172.
Genomic context (GRCh38, chr18:62,105,634, plus strand): 5'-CCGGCATCAGTGGGAACACTGCCAGGAGCAAAGAGAAGAAAGTCCAACTCAGTGAGGTCA[T>A]CTAAAATCAAGAAAAAAGTTATCTTTAGACAAATATGGTATAGAAAACTATCATTAGTGT-3'
Protein context (NP_789744.1, residues 580-600): FLTRLWTRAK[Met590Leu]TSLSWTFFSL

ClinVar aggregate classification (germline): Uncertain significance (1 of 4 stars; one submission).

Conditions:
Multiple congenital anomalies-hypotonia-seizures syndrome 1 (MCAHS1). Also called: PIGN-CDG; Congenital disorder of glycosylation due to PIGN deficiency; GLYCOSYLPHOSPHATIDYLINOSITOL BIOSYNTHESIS DEFECT 3. Identifiers: Orphanet 280633, MedGen C3279775, MONDO:0013563, OMIM 614080.

Allele frequency attached by ClinVar (database versions not stated): gnomAD 0.00001.
gnomAD v4.1: 4 of 1,530,812 alleles (0.00026%); highest among the groups gnomAD compares: South Asian, 0.0037%; 1 homozygote.

Submission:

Labcorp Genetics (formerly Invitae), Labcorp
Classification: Uncertain significance for Multiple congenital anomalies-hypotonia-seizures syndrome 1. Last evaluated: 2021-04-06. Review status: criteria provided, single submitter. Criteria: Invitae Variant Classification Sherloc (09022015). Collection method: clinical testing. Allele origin: germline.
Comment: In summary, the available evidence is currently insufficient to determine the role of this variant in disease. Therefore, it has been classified as a Variant of Uncertain Significance. Algorithms developed to predict the effect of missense changes on protein structure and function are either unavailable or do not agree on the potential impact of this missense change (SIFT: "Not Available"; PolyPhen-2: "Benign"; Align-GVGD: "Not Available"). This sequence change replaces methionine with leucine at codon 590 of the PIGN protein (p.Met590Leu). The methionine residue is weakly conserved and there is a small physicochemical difference between methionine and leucine. This variant is present in population databases (rs749969084, ExAC 0.03%), including at least one homozygous and/or hemizygous individual. This variant has not been reported in the literature in individuals with PIGN-related conditions.